The following is an entry in ClinVar:

NM_000203.5(IDUA):c.31C>G (p.Leu11Val)

Genes: IDUA (alpha-L-iduronidase; plus strand), SLC26A1 (solute carrier family 26 member 1; minus strand). Cytogenetic location: 4p16.3.
Variant type: single nucleotide variant.
Coding change: c.31C>G on transcript NM_000203.5 (MANE Select); coding-DNA position 31, C replaced by G.
Protein change: p.Leu11Val; replaces leucine 11 with valine.
Molecular consequence: missense variant. On other transcripts: non-coding transcript variant (1), intron variant (1).
Genome position (GRCh38, 1-based): chr4:987,115, C>G. VCF-style: chr4-987115-C-G. GRCh37 (hg19) VCF-style: chr4-980903-C-G.
Other names: c.576+4013G>C (NM_134425.4); short protein forms L11V.
Identifiers: ClinVar variation 1390259 (VCV001390259.5), dbSNP rs1423609884, ClinGen allele CA355945293.
Genomic context (GRCh38, chr4:987,115, plus strand): 5'-AAGCCCCGCAGTCCCCGAGCACGCGTGGCCATGCGTCCCCTGCGCCCCCGCGCCGCGCTG[C>G]TGGCGCTCCTGGCCTCGCTCCTGGCCGCGCCCCCGGTGGCCCCGGCCGAGGCCCCGCACC-3'
Protein context (NP_000194.2, residues 1-21): MRPLRPRAAL[Leu11Val]ALLASLLAAP

ClinVar aggregate classification (germline): Uncertain significance. Review status: criteria provided, multiple submitters, no conflicts (2 of 4 stars). 3 submissions from 3 submitters: Uncertain significance (3). Last evaluated 2025-08-20.

Conditions:
Inborn genetic diseases. Identifiers: MedGen C0950123, MeSH D030342.
Mucopolysaccharidosis type 1. Also called: IDUA deficiency; MPS I; Mucopolysaccharidosis Type I. Identifiers: Orphanet 579, MedGen C0023786, MONDO:0001586.

Allele frequency attached by ClinVar (database versions not stated): TOPMed 0.00001; gnomAD 0.00001.
gnomAD v4.1: 14 of 1,444,460 alleles (0.00097%); highest among the groups gnomAD compares: Non-Finnish European, 0.0012%; no homozygotes.

Submissions (3):

Ambry Genetics
Classification: Uncertain significance for Inborn genetic diseases. Last evaluated: 2025-08-20. Review status: criteria provided, single submitter. Criteria: Ambry Variant Classification Scheme 2023. Collection method: clinical testing. Allele origin: germline.

GeneDx
Classification: Uncertain significance. Last evaluated: 2024-08-01. Review status: criteria provided, single submitter. Criteria: GeneDx Variant Classification Process June 2021. Collection method: clinical testing. Allele origin: germline. Affected: yes.
Comment: Not observed at significant frequency in large population cohorts (gnomAD); In silico analysis indicates that this missense variant does not alter protein structure/function; Has not been previously published as pathogenic or benign to our knowledge

Labcorp Genetics (formerly Invitae), Labcorp
Classification: Uncertain significance for Mucopolysaccharidosis type 1. Last evaluated: 2021-11-14. Review status: criteria provided, single submitter. Criteria: Invitae Variant Classification Sherloc (09022015). Collection method: clinical testing. Allele origin: germline.
Comment: This sequence change replaces leucine, which is neutral and non-polar, with valine, which is neutral and non-polar, at codon 11 of the IDUA protein (p.Leu11Val). This variant is not present in population databases (gnomAD no frequency). This variant has not been reported in the literature in individuals affected with IDUA-related conditions. Algorithms developed to predict the effect of missense changes on protein structure and function are either unavailable or do not agree on the potential impact of this missense change (SIFT: "Tolerated"; PolyPhen-2: "Not Available"; Align-GVGD: "Class C0"). In summary, the available evidence is currently insufficient to determine the role of this variant in disease. Therefore, it has been classified as a Variant of Uncertain Significance.